The following is an entry in ClinVar:

ClinVar aggregate classification (germline): Uncertain significance. Review status: criteria provided, multiple submitters, no conflicts (2 of 4 stars). 6 submissions from 6 submitters: Uncertain significance (4). 2 of the submissions do not count toward it. Last evaluated 2026-02-03.

Conditions:
Dyskeratosis congenita. Identifiers: Orphanet 1775, MedGen C0265965, MONDO:0015780.
Dyskeratosis congenita, autosomal recessive 5 (DKCB5). Identifiers: MedGen C3554656, MONDO:0014076, OMIM 615190.
Pulmonary fibrosis and/or bone marrow failure, Telomere-related, 3. Also called: PULMONARY FIBROSIS AND/OR BONE MARROW FAILURE SYNDROME, TELOMERE-RELATED, 3. Identifiers: Orphanet 2032, MedGen C4225346, MONDO:0014613, OMIM 616373.

Allele frequency attached by ClinVar (database versions not stated): gnomAD exomes 0.00002 and 0.00008; gnomAD 0.00005; TOPMed 0.00005; ESP Exome Variant Server 0.00008; ExAC 0.00009; 1000 Genomes Project 30x 0.00016; 1000 Genomes Project 0.00020.
gnomAD v4.1: 40 of 1,612,416 alleles (0.0025%); highest among the groups gnomAD compares: East Asian, 0.029%; no homozygotes.

Submissions (6):

Labcorp Genetics (formerly Invitae), Labcorp
Classification: Uncertain significance for Dyskeratosis congenita, autosomal recessive 5; Pulmonary fibrosis and/or bone marrow failure, Telomere-related, 3. Last evaluated: 2026-02-03. Review status: criteria provided, single submitter. Criteria: Invitae Variant Classification Sherloc (09022015). Collection method: clinical testing. Allele origin: germline.
Comment: This sequence change replaces valine, which is neutral and non-polar, with methionine, which is neutral and non-polar, at codon 1060 of the RTEL1 protein (p.Val1060Met). This variant is present in population databases (rs116768542, gnomAD 0.07%). This variant has not been reported in the literature in individuals affected with RTEL1-related conditions. This variant is also known as c.3250G>A (p.Val1083Met) on transcript NM_032957.4. ClinVar contains an entry for this variant (Variation ID: 652372). An algorithm developed to predict the effect of missense changes on protein structure and function (PolyPhen-2) suggests that this variant is likely to be disruptive. In summary, the available evidence is currently insufficient to determine the role of this variant in disease. Therefore, it has been classified as a Variant of Uncertain Significance.

GeneDx
Classification: Uncertain significance. Last evaluated: 2023-10-03. Review status: criteria provided, single submitter. Criteria: GeneDx Variant Classification Process June 2021. Collection method: clinical testing. Allele origin: germline. Affected: yes.
Comment: In silico analysis supports that this missense variant does not alter protein structure/function; Has not been previously published as pathogenic or benign to our knowledge

Mayo Clinic Laboratories, Mayo Clinic
Classification: Uncertain significance. Last evaluated: 2022-09-30. Review status: criteria provided, single submitter. Criteria: ACMG Guidelines, 2015. Collection method: clinical testing. Allele origin: germline. Observed: 1 variant allele.
Comment: BP4

Sema4
Classification: Uncertain significance for Dyskeratosis congenita. Last evaluated: 2022-03-08. Review status: criteria provided, single submitter. Criteria: Sema4 Curation Guidelines. Collection method: curation. Allele origin: germline.
Comment: The RTEL1 c.3178G>A (p.V1060M) variant, also known as c.3250G>A (p.V1084M ) in transcript NM_032957.5, has not been reported in the literature to our knowledge. This variant was observed in 15/19852 chromosomes in the East Asian population, according to the Genome Aggregation Database (PMID: 32461654) and has been reported in ClinVar (Variation ID: 652372). Functional studies have not been performed, and in silico predictions of the variant's effect on protein function are inconclusive. The evidence is insufficient to meet ACMG/AMP criteria for classifying the variant as benign or pathogenic. Thus, the clinical significance of this variant is currently uncertain.

Natera, Inc.
Classification: Uncertain significance for Dyskeratosis congenita. Last evaluated: 2020-09-16. Review status: no assertion criteria provided. Collection method: clinical testing. Allele origin: germline. Not counted in ClinVar's aggregate classification.

Department of Pathology and Laboratory Medicine, Sinai Health System
Classification: Uncertain significance. Review status: no assertion criteria provided. Collection method: clinical testing. Allele origin: unknown. Affected: yes. Study: The Canadian Open Genetics Repository (COGR). Not counted in ClinVar's aggregate classification.
Comment: The RTEL1 p.Val1060Met variant was not identified in the literature but was identified in dbSNP (ID: rs116768542) and ClinVar (classified as uncertain significance by Invitae). The variant was identified in control databases in 21 of 279692 chromosomes at a frequency of 0.00007508 (Genome Aggregation Database March 6, 2019, v2.1.1). The variant was observed in the following populations: East Asian in 15 of 19852 chromosomes (freq: 0.000756), Latino in 2 of 35342 chromosomes (freq: 0.000057) and European (non-Finnish) in 4 of 126924 chromosomes (freq: 0.000032), but was not observed in the African, Ashkenazi Jewish, European (Finnish), Other, or South Asian populations. The p.Val1060 residue is not conserved in mammals and computational analyses (PolyPhen-2, SIFT, AlignGVGD, BLOSUM, MutationTaster) do not suggest a high likelihood of impact to the protein; however, this information is not predictive enough to rule out pathogenicity. The variant occurs outside of the splicing consensus sequence and 3 of 4 in silico or computational prediction software programs (SpliceSiteFinder, MaxEntScan, NNSPLICE, GeneSplicer) predict a greater than 10% difference in splicing. However, this has not been confirmed by RNA analysis and is not predictive enough to assume pathogenicity. In summary, based on the above information the clinical significance of this variant cannot be determined with certainty at this time. This variant is classified as a variant of uncertain significance.

NM_001283009.2(RTEL1):c.3178G>A (p.Val1060Met)

Genes: RTEL1-TNFRSF6B (RTEL1-TNFRSF6B readthrough (NMD candidate); plus strand), RTEL1 (regulator of telomere elongation helicase 1; plus strand). Cytogenetic location: 20q13.33.
Variant type: single nucleotide variant.
Coding change: c.3178G>A on transcript NM_001283009.2 (MANE Select); coding-DNA position 3178, G replaced by A.
Protein change: p.Val1060Met; replaces valine 1060 with methionine.
Molecular consequence: missense variant. On other transcripts: non-coding transcript variant (1).
Genome position (GRCh38, 1-based): chr20:63,694,809, G>A. VCF-style: chr20-63694809-G-A. GRCh37 (hg19) VCF-style: chr20-62326162-G-A.
Other names: p.Val1084Met; c.2509G>A, p.Val837Met (NM_001283010.1); c.3178G>A, p.Val1060Met (NM_016434.4); c.3250G>A, p.Val1084Met (NM_032957.5); short protein forms V1060M, V1084M, V837M.
Identifiers: ClinVar variation 652372 (VCV000652372.10), dbSNP rs116768542, ClinGen allele CA9965894.